The following is an entry in ClinVar:

NM_020975.6(RET):c.2269G>A (p.Val757Met)

Gene: RET (ret proto-oncogene; plus strand). Cytogenetic location: 10q11.21.
Variant type: single nucleotide variant.
Coding change: c.2269G>A on transcript NM_020975.6 (MANE Select); coding-DNA position 2269, G replaced by A.
Protein change: p.Val757Met; replaces valine 757 with methionine.
Molecular consequence: missense variant.
Genome position (GRCh38, 1-based): chr10:43,116,716, G>A. VCF-style: chr10-43116716-G-A. GRCh37 (hg19) VCF-style: chr10-43612164-G-A.
Other names: c.2269G>A, p.Val757Met (NM_000323.2, NM_001406743.1, NM_001406744.1 and 4 more transcripts); c.1507G>A, p.Val503Met (NM_001355216.2); c.2140G>A, p.Val714Met (NM_001406761.1, NM_001406762.1, NM_001406764.1); c.2134G>A, p.Val712Met (NM_001406763.1, NM_001406765.1); c.1981G>A, p.Val661Met (NM_001406766.1, NM_001406767.1, NM_001406770.1); c.2005G>A, p.Val669Met (NM_001406768.1); c.1873G>A, p.Val625Met (NM_001406769.1, NM_001406772.1); c.1831G>A, p.Val611Met (NM_001406771.1, NM_001406773.1); and 10 more; short protein forms V415M, V582M, V714M, V274M, V362M, V418M, V503M, V515M.
Identifiers: ClinVar variation 1788738 (VCV001788738.2), dbSNP rs2132909641, ClinGen allele CA376554856.

ClinVar aggregate classification (germline): Uncertain significance (1 of 4 stars; one submission).

Conditions:
Hereditary cancer-predisposing syndrome. Also called: Hereditary Cancer Syndrome; Hereditary neoplastic syndrome; Tumor predisposition; Neoplastic Syndromes, Hereditary. Identifiers: Orphanet 140162, MedGen C0027672, MeSH D009386, MONDO:0015356.

Submission:

Ambry Genetics
Classification: Uncertain significance for Hereditary cancer-predisposing syndrome. Last evaluated: 2022-02-10. Review status: criteria provided, single submitter. Criteria: Ambry Variant Classification Scheme 2023. Collection method: clinical testing. Allele origin: germline.
Comment: The p.V757M variant (also known as c.2269G>A), located in coding exon 12 of the RET gene, results from a G to A substitution at nucleotide position 2269. The valine at codon 757 is replaced by methionine, an amino acid with highly similar properties. This amino acid position is highly conserved in available vertebrate species. In addition, this alteration is predicted to be deleterious by in silico analysis. Since supporting evidence is limited at this time, the clinical significance of this alteration remains unclear.